The following is an entry in ClinVar:

NM_004304.5(ALK):c.252G>C (p.Arg84Ser)

Gene: ALK (ALK receptor tyrosine kinase; minus strand). Cytogenetic location: 2p23.1.
Variant type: single nucleotide variant.
Coding change: c.252G>C on transcript NM_004304.5 (MANE Select); coding-DNA position 252, G replaced by C.
Protein change: p.Arg84Ser; replaces arginine 84 with serine.
Molecular consequence: missense variant.
Genome position (GRCh38, 1-based): chr2:29,920,408, C>G on the plus strand (G>C on the coding strand, the complement: ALK is on the minus strand). VCF-style: chr2-29920408-C-G. GRCh37 (hg19) VCF-style: chr2-30143274-C-G.
Other names: short protein forms R84S.
Identifiers: ClinVar variation 3727944 (VCV003727944.2).
Genomic context (GRCh38, chr2:29,920,408, plus strand): 5'-CGGCCCCAGCAACCTGAGCAGCGGGGCGCAGTCCAGAGCTAGCGAGCCGCGGGCCTCGGG[C>G]CTGCCAGCCTTCAGCTCCGAGGAGGATGGTGGCAGCAGTAGGTCCCGGGCGTAGACACGG-3'
Protein context (NP_004295.2, residues 74-94): PPSSSELKAG[Arg84Ser]PEARGSLALD

ClinVar aggregate classification (germline): Uncertain significance (1 of 4 stars; one submission).

Conditions:
Neuroblastoma, susceptibility to, 3. Also called: ALK-Related Neuroblastic Tumor Susceptibility. Identifiers: Orphanet 635, MedGen C2751681, MONDO:0013083, OMIM 613014.

gnomAD v4.1: 1 of 1,585,054 alleles (0.000063%); highest among the groups gnomAD compares: Non-Finnish European, 0.000086%; no homozygotes.

Submission:

Labcorp Genetics (formerly Invitae), Labcorp
Classification: Uncertain significance for Neuroblastoma, susceptibility to, 3. Last evaluated: 2024-12-24. Review status: criteria provided, single submitter. Criteria: Invitae Variant Classification Sherloc (09022015). Collection method: clinical testing. Allele origin: germline.
Comment: This sequence change replaces arginine, which is basic and polar, with serine, which is neutral and polar, at codon 84 of the ALK protein (p.Arg84Ser). This variant is not present in population databases (gnomAD no frequency). This variant has not been reported in the literature in individuals affected with ALK-related conditions. An algorithm developed to predict the effect of missense changes on protein structure and function (PolyPhen-2) suggests that this variant is likely to be tolerated. In summary, the available evidence is currently insufficient to determine the role of this variant in disease. Therefore, it has been classified as a Variant of Uncertain Significance.